The following is an entry in ClinVar:

ClinVar aggregate classification (germline): Uncertain significance (1 of 4 stars; one submission).

Conditions:
Charcot-Marie-Tooth disease type 2. Also called: Charcot-Marie-Tooth type 2. Identifiers: Orphanet 64746, MedGen C0270914, MONDO:0018993.

Allele frequency attached by ClinVar (database versions not stated): gnomAD exomes below 0.00001.
gnomAD v4.1: 2 of 1,614,086 alleles (0.00012%); highest among the groups gnomAD compares: African/African-American, 0.0013%; no homozygotes.

Submission:

Labcorp Genetics (formerly Invitae), Labcorp
Classification: Uncertain significance for Charcot-Marie-Tooth disease type 2. Last evaluated: 2021-04-23. Review status: criteria provided, single submitter. Criteria: Invitae Variant Classification Sherloc (09022015). Collection method: clinical testing. Allele origin: germline.
Comment: This variant has not been reported in the literature in individuals with AARS-related conditions. This sequence change replaces alanine with valine at codon 805 of the AARS protein (p.Ala805Val). The alanine residue is highly conserved and there is a small physicochemical difference between alanine and valine. This variant is not present in population databases (ExAC no frequency). Algorithms developed to predict the effect of missense changes on protein structure and function (SIFT, PolyPhen-2, Align-GVGD) all suggest that this variant is likely to be tolerated, but these predictions have not been confirmed by published functional studies and their clinical significance is uncertain. In summary, the available evidence is currently insufficient to determine the role of this variant in disease. Therefore, it has been classified as a Variant of Uncertain Significance.

NM_001605.3(AARS1):c.2414C>T (p.Ala805Val)

Gene: AARS1 (alanyl-tRNA synthetase 1; minus strand). Cytogenetic location: 16q22.1.
Variant type: single nucleotide variant.
Coding change: c.2414C>T on transcript NM_001605.3 (MANE Select); coding-DNA position 2414, C replaced by T.
Protein change: p.Ala805Val; replaces alanine 805 with valine.
Molecular consequence: missense variant.
Genome position (GRCh38, 1-based): chr16:70,254,025, G>A on the plus strand (C>T on the coding strand, the complement: AARS1 is on the minus strand). VCF-style: chr16-70254025-G-A. GRCh37 (hg19) VCF-style: chr16-70287928-G-A.
Other names: short protein forms A805V.
Identifiers: ClinVar variation 1682125 (VCV001682125.8), dbSNP rs865779159, ClinGen allele CA283424183.